The following is an entry in ClinVar:

ClinVar aggregate classification (germline): Uncertain significance (1 of 4 stars; one submission).

Conditions:
Intellectual developmental disorder, autosomal dominant 29. Also called: SETBP1 Haploinsufficiency Disorder; Intellectual disability, autosomal dominant 29. Identifiers: Orphanet 436151, MedGen C4015141, MONDO:0014482, OMIM 616078.

Submission:

Neuberg Centre For Genomic Medicine, NCGM
Classification: Uncertain significance for Intellectual developmental disorder, autosomal dominant 29. Review status: criteria provided, single submitter. Criteria: ACMG Guidelines, 2015. Collection method: clinical testing. Allele origin: germline. Inheritance: Autosomal dominant inheritance. Affected: yes.
Comment: The missense c.4130T>G (p.Val1377Gly) variant in the SETBP1 gene has not been reported previously as a pathogenic variant nor as a benign variant, to our knowledge. The variant is absent in gnomAD Exomes. The amino acid Valine at position 1377 is changed to a Glycine changing protein sequence and it might alter its composition and physico-chemical properties. The variant is predicted as damaging by SIFT. The amino acid change p.Val1377Gly in SETBP1 is predicted as conserved by GERP++ and PhyloP across 100 vertebrates. For these reasons, this variant has been classified as Uncertain Significance.

NM_015559.3(SETBP1):c.4130T>G (p.Val1377Gly)

Gene: SETBP1 (SET binding protein 1; plus strand). Cytogenetic location: 18q12.3.
Variant type: single nucleotide variant.
Coding change: c.4130T>G on transcript NM_015559.3 (MANE Select); coding-DNA position 4130, T replaced by G.
Protein change: p.Val1377Gly; replaces valine 1377 with glycine.
Molecular consequence: missense variant. On other transcripts: intron variant (1).
Genome position (GRCh38, 1-based): chr18:45,038,614, T>G. VCF-style: chr18-45038614-T-G. GRCh37 (hg19) VCF-style: chr18-42618579-T-G.
Other names: c.4130T>G, p.Val1377Gly (NM_001379141.1, NM_001379142.1); c.4001-24465T>G (NM_001410862.1); short protein forms V1377G.
Identifiers: ClinVar variation 3242069 (VCV003242069.1), dbSNP rs2511320218.